The following is an entry in ClinVar:

NM_020779.4(WDR35):c.798C>T (p.Ser266=)

Gene: WDR35 (WD repeat domain 35; minus strand). Cytogenetic location: 2p24.1.
Variant type: single nucleotide variant.
Coding change: c.798C>T on transcript NM_020779.4 (MANE Select); coding-DNA position 798, C replaced by T.
Protein change: p.Ser266=; no amino-acid change (serine 266 retained).
Molecular consequence: synonymous variant.
Genome position (GRCh38, 1-based): chr2:19,973,647, G>A on the plus strand (C>T on the coding strand, the complement: WDR35 is on the minus strand). VCF-style: chr2-19973647-G-A. GRCh37 (hg19) VCF-style: chr2-20173408-G-A.
Other names: c.798C>T, p.Ser266= (NM_001006657.2).
Identifiers: ClinVar variation 333401 (VCV000333401.17), dbSNP rs141118263, ClinGen allele CA1543430.
Genomic context (GRCh38, chr2:19,973,647, plus strand): 5'-CACAATGTTCACATCTTTGTCCTGCATGGCTGCCTTCTGGAAGCCTGCCACAGCTAACAC[G>A]CTGCCCATGTGGTTCCACTGGATGCCTACTACGTACATGCCAGTGTCAATCAAAACGGGA-3'
Protein context (NP_065830.2, residues 256-276): VVGIQWNHMG[Ser266=]VLAVAGFQKA

ClinVar aggregate classification (germline): Conflicting classifications of pathogenicity. Review status: criteria provided, conflicting classifications (1 of 4 stars). 5 submissions from 4 submitters: Uncertain significance (2); Likely benign (2). 1 of the submissions does not count toward it. Last evaluated 2024-10-22.

Conditions:
WDR35-related disorder. Also called: WDR35-related condition; WDR35-related disorders. Identifiers: MedGen CN239419.
Short-rib thoracic dysplasia 7 with or without polydactyly (SRTD7). Also called: Short rib polydactyly syndrome 5; SHORT-RIB THORACIC DYSPLASIA 7 WITH POLYDACTYLY. Identifiers: Orphanet 498497, Orphanet 93271, MedGen C3279792, MONDO:0013569, OMIM 614091.
Cranioectodermal dysplasia 2 (CED2). Identifiers: OMIM 613610, Orphanet 1515, MedGen C3150874, MONDO:0013323.

Allele frequency attached by ClinVar (database versions not stated): gnomAD 0.00004 and 0.00005; ESP Exome Variant Server 0.00008; TOPMed 0.00009; ExAC 0.00013.
gnomAD v4.1: 237 of 1,614,168 alleles (0.015%); highest among the groups gnomAD compares: Middle Eastern, 0.099%; 2 homozygotes.

Submissions (5):

Labcorp Genetics (formerly Invitae), Labcorp
Classification: Likely benign for Cranioectodermal dysplasia 2; Short-rib thoracic dysplasia 7 with or without polydactyly. Last evaluated: 2024-10-22. Review status: criteria provided, single submitter. Criteria: Invitae Variant Classification Sherloc (09022015). Collection method: clinical testing. Allele origin: germline.

GeneDx
Classification: Likely benign. Last evaluated: 2021-03-22. Review status: criteria provided, single submitter. Criteria: GeneDx Variant Classification Process June 2021. Collection method: clinical testing. Allele origin: germline. Affected: yes.

Illumina Laboratory Services, Illumina
Classification: Uncertain significance for Short-rib thoracic dysplasia 7 with or without polydactyly. Last evaluated: 2018-01-13. Review status: criteria provided, single submitter. Criteria: ICSL Variant Classification Criteria 13 December 2019. Collection method: clinical testing. Allele origin: germline.

Illumina Laboratory Services, Illumina
Classification: Uncertain significance for Cranioectodermal dysplasia 2. Last evaluated: 2018-01-13. Review status: criteria provided, single submitter. Criteria: ICSL Variant Classification Criteria 13 December 2019. Collection method: clinical testing. Allele origin: germline.

PreventionGenetics, part of Exact Sciences
Classification: Likely benign for WDR35-related condition. Last evaluated: 2019-08-30. Review status: no assertion criteria provided. Collection method: clinical testing. Allele origin: germline. Not counted in ClinVar's aggregate classification.
Comment: This variant is classified as likely benign based on ACMG/AMP sequence variant interpretation guidelines (Richards et al. 2015 PMID: 25741868, with internal and published modifications).